The following is an entry in ClinVar:

NM_001374828.1(ARID1B):c.2967T>A (p.Ser989Arg)

Gene: ARID1B (AT-rich interaction domain 1B; plus strand). Cytogenetic location: 6q25.3.
Variant type: single nucleotide variant.
Coding change: c.2967T>A on transcript NM_001374828.1 (MANE Select); coding-DNA position 2967, T replaced by A.
Protein change: p.Ser989Arg; replaces serine 989 with arginine.
Molecular consequence: missense variant.
Genome position (GRCh38, 1-based): chr6:157,148,829, T>A. VCF-style: chr6-157148829-T-A. GRCh37 (hg19) VCF-style: chr6-157469963-T-A.
Other names: c.468T>A, p.Ser156Arg (NM_001363725.2); c.3006T>A, p.Ser1002Arg (NM_001371656.1, NM_001374820.1); c.2967T>A, p.Ser989Arg (NM_017519.3); c.2757T>A (NM_020732.3); short protein forms S1002R, S156R, S989R.
Identifiers: ClinVar variation 3373337 (VCV003373337.1).

ClinVar aggregate classification (germline): Uncertain significance (1 of 4 stars; one submission).

Submission:

GeneDx
Classification: Uncertain significance. Last evaluated: 2024-04-30. Review status: criteria provided, single submitter. Criteria: GeneDx Variant Classification Process June 2021. Collection method: clinical testing. Allele origin: germline. Affected: yes.
Comment: Not observed at significant frequency in large population cohorts (gnomAD); In silico analysis indicates that this missense variant does not alter protein structure/function; Has not been previously published as pathogenic or benign to our knowledge